The following is an entry in ClinVar:

ClinVar aggregate classification (germline): Uncertain significance (1 of 4 stars; one submission).

Conditions:
Hereditary cancer-predisposing syndrome. Also called: Neoplastic Syndromes, Hereditary; Tumor predisposition; Hereditary Cancer Syndrome; Hereditary neoplastic syndrome. Identifiers: Orphanet 140162, MedGen C0027672, MeSH D009386, MONDO:0015356.

Submission:

Ambry Genetics
Classification: Uncertain significance for Hereditary cancer-predisposing syndrome. Last evaluated: 2023-10-18. Review status: criteria provided, single submitter. Criteria: Ambry Variant Classification Scheme 2023. Collection method: clinical testing. Allele origin: germline.
Comment: The p.K83N variant (also known as c.249G>T), located in coding exon 1 of the STK11 gene, results from a G to T substitution at nucleotide position 249. The lysine at codon 83 is replaced by asparagine, an amino acid with similar properties. This amino acid position is highly conserved in available vertebrate species. In addition, this alteration is predicted to be tolerated by in silico analysis. Since supporting evidence is limited at this time, the clinical significance of this alteration remains unclear.

NM_000455.5(STK11):c.249G>T (p.Lys83Asn)

Gene: STK11 (serine/threonine kinase 11; plus strand). Cytogenetic location: 19p13.3.
Variant type: single nucleotide variant.
Coding change: c.249G>T on transcript NM_000455.5 (MANE Select); coding-DNA position 249, G replaced by T.
Protein change: p.Lys83Asn; replaces lysine 83 with asparagine.
Molecular consequence: missense variant.
Genome position (GRCh38, 1-based): chr19:1,207,162, G>T. VCF-style: chr19-1207162-G-T. GRCh37 (hg19) VCF-style: chr19-1207161-G-T.
Other names: short protein forms K83N.
Identifiers: ClinVar variation 821391 (VCV000821391.4), dbSNP rs1400078073, ClinGen allele CA402944503.
Genomic context (GRCh38, chr19:1,207,162, plus strand): 5'-GAAGGAGGTGCTGGACTCGGAGACGCTGTGCAGGAGGGCCGTCAAGATCCTCAAGAAGAA[G>T]AAGTTGCGAAGGATCCCCAACGGGGAGGCCAACGTGAAGAAGTAAGTATGGCTTGCTGGG-3'
Protein context (NP_000446.1, residues 73-93): CRRAVKILKK[Lys83Asn]KLRRIPNGEA